The following is an entry in ClinVar:

NM_004006.3(DMD):c.961-1G>A

Gene: DMD (dystrophin; minus strand). Cytogenetic location: Xp21.1.
Variant type: single nucleotide variant.
Coding change: c.961-1G>A on transcript NM_004006.3 (MANE Select); the canonical splice acceptor site of the intron before coding-DNA position 961, G replaced by A.
Molecular consequence: splice acceptor variant.
Genome position (GRCh38, 1-based): chrX:32,645,153, C>T on the plus strand (G>A on the coding strand, the complement: DMD is on the minus strand). VCF-style: chrX-32645153-C-T. GRCh37 (hg19) VCF-style: chrX-32663270-C-T.
Other names: c.937-1G>A (NM_000109.4); c.949-1G>A (NM_004009.3); c.592-1G>A (NM_004010.3).
Identifiers: ClinVar variation 803938 (VCV000803938.12), dbSNP rs1602469384, ClinGen allele CA412662449.
Genomic context (GRCh38, chrX:32,645,153, plus strand): 5'-GTTTACTTCACTCTCCATCAATGAACTGCCAAATGACTTGTCTTCAGGAGCTTCCAAATG[C>T]TGCACAATAAAATAAATTGGGTGTTACACAATTAATGTCTTTGCAGATTGTTCCAGTACA-3'

ClinVar aggregate classification (germline): Pathogenic. Review status: criteria provided, multiple submitters, no conflicts (2 of 4 stars). 3 submissions from 3 submitters: Pathogenic (3). Last evaluated 2020-08-23.

Conditions:
Duchenne muscular dystrophy (DMD). Also called: Duchenne Muscular Dystrophy (DMD); MUSCULAR DYSTROPHY, PSEUDOHYPERTROPHIC PROGRESSIVE, DUCHENNE TYPE. Identifiers: Orphanet 98896, MedGen C0013264, MONDO:0010679, OMIM 310200.

Submissions (3):

Labcorp Genetics (formerly Invitae), Labcorp
Classification: Pathogenic for Duchenne muscular dystrophy. Last evaluated: 2020-08-23. Review status: criteria provided, single submitter. Criteria: Invitae Variant Classification Sherloc (09022015). Collection method: clinical testing. Allele origin: germline.
Comment: This variant is not present in population databases (ExAC no frequency). For these reasons, this variant has been classified as Pathogenic. Donor and acceptor splice site variants typically lead to a loss of protein function (PMID: 16199547), and loss-of-function variants in DMD are known to be pathogenic (PMID: 16770791, 25007885). Algorithms developed to predict the effect of sequence changes on RNA splicing suggest that this variant may disrupt the consensus splice site, but this prediction has not been confirmed by published transcriptional studies. This variant has been observed in individual(s) with DMD-related conditions (PMID: 21515508, 23536893). ClinVar contains an entry for this variant (Variation ID: 803938). This sequence change affects an acceptor splice site in intron 9 of the DMD gene. It is expected to disrupt RNA splicing and likely results in an absent or disrupted protein product.

Mendelics
Classification: Pathogenic for Duchenne muscular dystrophy. Last evaluated: 2019-05-28. Review status: criteria provided, single submitter. Criteria: Mendelics Assertion Criteria 2017. Collection method: clinical testing. Allele origin: unknown.

Clinical Genetics Service, Universitary Hospital 12 de Octubre
Classification: Pathogenic for Duchenne muscular dystrophy. Review status: criteria provided, single submitter. Criteria: ACMG Guidelines, 2015. Collection method: clinical testing. Allele origin: maternal. Affected: yes.

Literature cited by the submitters: PubMed 16199547 (cited by Labcorp Genetics (formerly Invitae), Labcorp); PubMed 16770791 (cited by Labcorp Genetics (formerly Invitae), Labcorp); PubMed 25007885 (cited by Labcorp Genetics (formerly Invitae), Labcorp); PubMed 21515508 (cited by Labcorp Genetics (formerly Invitae), Labcorp); PubMed 23536893 (cited by Labcorp Genetics (formerly Invitae), Labcorp).